The following is an entry in ClinVar:

NM_000440.3(PDE6A):c.291del (p.Phe97fs)

Gene: PDE6A (phosphodiesterase 6A; minus strand). Cytogenetic location: 5q32.
Variant type: Deletion.
Coding change: c.291del on transcript NM_000440.3 (MANE Select); coding-DNA position 291, one base deleted (C; older notation c.291delC).
Protein change: p.Phe97fs; shifts the reading frame from phenylalanine 97.
Molecular consequence: frameshift variant.
Genome position (GRCh38, 1-based): chr5:149,944,383, G deleted on the plus strand (C on the coding strand, the reverse complement: PDE6A is on the minus strand). VCF-style (leftmost placement, unchanged base first): chr5-149944382-TG-T. GRCh37 (hg19) VCF-style: chr5-149323945-TG-T.
Other names: short protein forms F97fs.
Identifiers: ClinVar variation 1455972 (VCV001455972.7), dbSNP rs2113673375, ClinGen allele CA2573139269.
Genomic context (GRCh38, chr5:149,944,382, plus strand): 5'-CCTTGTGGACATTGAAAAGCCTGGTGGCCAGCTCTGCGATGCCATTGCGGGTCCGGTACA[TG>T]AACAGGCTCATGCGGTCTGCCTGCAGGAGGAAGCACAGCTTCTTCATGACATTGAAGATG-3'

ClinVar aggregate classification (germline): Pathogenic/Likely pathogenic. Review status: criteria provided, multiple submitters, no conflicts (2 of 4 stars). 2 submissions from 2 submitters: Pathogenic (1); Likely pathogenic (1). Last evaluated 2021-07-29.

Conditions:
PDE6A-related disorder. Also called: PDE6A-related condition.

Submissions (2):

Labcorp Genetics (formerly Invitae), Labcorp
Classification: Pathogenic. Last evaluated: 2021-07-29. Review status: criteria provided, single submitter. Criteria: Invitae Variant Classification Sherloc (09022015). Collection method: clinical testing. Allele origin: germline.
Comment: This variant has not been reported in the literature in individuals with PDE6A-related conditions. For these reasons, this variant has been classified as Pathogenic. This variant is not present in population databases (ExAC no frequency). This sequence change creates a premature translational stop signal (p.Phe97Leufs*30) in the PDE6A gene. It is expected to result in an absent or disrupted protein product. Loss-of-function variants in PDE6A are known to be pathogenic (PMID: 7493036, 22128245, 23847139).

Blueprint Genetics
Classification: Likely pathogenic for PDE6A-related disorders. Last evaluated: 2018-07-03. Review status: criteria provided, single submitter. Criteria: ACMG Guidelines, 2015. Collection method: clinical testing. Allele origin: germline. Affected: yes. Observed: 1 variant allele.

Literature cited by the submitters: PubMed 7493036 (cited by Labcorp Genetics (formerly Invitae), Labcorp); PubMed 22128245 (cited by Labcorp Genetics (formerly Invitae), Labcorp); PubMed 23847139 (cited by Labcorp Genetics (formerly Invitae), Labcorp).